The following is an entry in ClinVar:

NM_012310.5(KIF4A):c.1820G>T (p.Gly607Val)

Gene: KIF4A (kinesin family member 4A; plus strand). Cytogenetic location: Xq13.1.
Variant type: single nucleotide variant.
Coding change: c.1820G>T on transcript NM_012310.5 (MANE Select); coding-DNA position 1820, G replaced by T.
Protein change: p.Gly607Val; replaces glycine 607 with valine.
Molecular consequence: missense variant.
Genome position (GRCh38, 1-based): chrX:70,375,245, G>T. VCF-style: chrX-70375245-G-T. GRCh37 (hg19) VCF-style: chrX-69595095-G-T.
Other names: short protein forms G607V.
Identifiers: ClinVar variation 2660817 (VCV002660817.24), dbSNP rs2086170408, ClinGen allele CA413479983.

ClinVar aggregate classification (germline): Uncertain significance (1 of 4 stars; one submission).

Allele frequency attached by ClinVar (database versions not stated): gnomAD exomes below 0.00001.
gnomAD v4.1: 1 of 1,211,154 alleles (0.000083%); highest among the groups gnomAD compares: Non-Finnish European, 0.00011%; no homozygotes.

Submission:

CeGaT Center for Human Genetics Tuebingen
Classification: Uncertain significance. Last evaluated: 2023-08-01. Review status: criteria provided, single submitter. Criteria: CeGaT Center For Human Genetics Tuebingen Variant Classification Criteria Version 2. Collection method: clinical testing. Allele origin: germline. Affected: yes. Observed: 1 variant allele.
Comment: KIF4A: PM2